The following is an entry in ClinVar:

ClinVar aggregate classification (germline): Benign/Likely benign. Review status: criteria provided, multiple submitters, no conflicts (2 of 4 stars). 4 submissions from 4 submitters: Benign (1); Likely benign (1). 2 of the submissions do not count toward it. Last evaluated 2026-01-12.

Conditions:
CSF3R-related disorder. Also called: CSF3R-related condition.
Autosomal recessive severe congenital neutropenia due to CSF3R deficiency. Also called: Neutropenia, severe congenital, 7, autosomal recessive. Identifiers: Orphanet 420702, MedGen C4310764, MONDO:0014865, OMIM 617014.

Allele frequency attached by ClinVar (database versions not stated): gnomAD exomes 0.00008 and 0.00017; ExAC 0.00016; ESP Exome Variant Server 0.00062; gnomAD 0.00072 and 0.00076; TOPMed 0.00098; 1000 Genomes Project 0.00120; 1000 Genomes Project 30x 0.00125.
gnomAD v4.1: 257 of 1,614,238 alleles (0.016%); highest among the groups gnomAD compares: African/African-American, 0.28%; 1 homozygote.

Submissions (4):

Labcorp Genetics (formerly Invitae), Labcorp
Classification: Benign for Autosomal recessive severe congenital neutropenia due to CSF3R deficiency. Last evaluated: 2026-01-12. Review status: criteria provided, single submitter. Criteria: Invitae Variant Classification Sherloc (09022015). Collection method: clinical testing. Allele origin: germline.

Blueprint Genetics
Classification: Likely benign. Last evaluated: 2023-03-21. Review status: criteria provided, single submitter. Criteria: ACMG Guidelines, 2015. Collection method: clinical testing. Allele origin: germline.

Genetic Services Laboratory, University of Chicago
Classification: Likely benign. Last evaluated: 2022-12-14. Review status: no assertion criteria provided. Collection method: clinical testing. Allele origin: germline. Affected: no. Not counted in ClinVar's aggregate classification.

PreventionGenetics, part of Exact Sciences
Classification: Likely benign for CSF3R-related condition. Last evaluated: 2019-05-02. Review status: no assertion criteria provided. Collection method: clinical testing. Allele origin: germline. Not counted in ClinVar's aggregate classification.
Comment: This variant is classified as likely benign based on ACMG/AMP sequence variant interpretation guidelines (Richards et al. 2015 PMID: 25741868, with internal and published modifications).

NM_000760.4(CSF3R):c.1723+8T>C

Gene: CSF3R (colony stimulating factor 3 receptor; minus strand). Cytogenetic location: 1p34.3.
Variant type: single nucleotide variant.
Coding change: c.1723+8T>C on transcript NM_000760.4 (MANE Select); 8 bases into the intron after coding-DNA position 1723, T replaced by C.
Molecular consequence: intron variant.
Genome position (GRCh38, 1-based): chr1:36,468,067, A>G on the plus strand (T>C on the coding strand, the complement: CSF3R is on the minus strand). VCF-style: chr1-36468067-A-G. GRCh37 (hg19) VCF-style: chr1-36933668-A-G.
Other names: c.1723+8T>C (NM_156039.3, NM_172313.3).
Identifiers: ClinVar variation 715418 (VCV000715418.15), dbSNP rs143931193, ClinGen allele CA769107.